The following is an entry in ClinVar:

ClinVar aggregate classification (germline): Likely benign. Review status: criteria provided, multiple submitters, no conflicts (2 of 4 stars). 3 submissions from 3 submitters: Likely benign (2). 1 of the submissions does not count toward it. Last evaluated 2024-08-05.

Conditions:
ARFGEF2-related disorder. Also called: ARFGEF2-related condition.

Submissions (3):

Blueprint Genetics
Classification: Likely benign. Last evaluated: 2024-08-05. Review status: criteria provided, single submitter. Criteria: ACMG Guidelines, 2015. Collection method: clinical testing. Allele origin: germline.

GeneDx
Classification: Likely benign. Last evaluated: 2016-11-25. Review status: criteria provided, single submitter. Criteria: GeneDx Variant Classification (06012015). Collection method: clinical testing. Allele origin: germline. Affected: yes.
Comment: This variant is considered likely benign or benign based on one or more of the following criteria: it is a conservative change, it occurs at a poorly conserved position in the protein, it is predicted to be benign by multiple in silico algorithms, and/or has population frequency not consistent with disease.

PreventionGenetics, part of Exact Sciences
Classification: Likely benign for ARFGEF2-related condition. Last evaluated: 2019-07-29. Review status: no assertion criteria provided. Collection method: clinical testing. Allele origin: germline. Not counted in ClinVar's aggregate classification.
Comment: This variant is classified as likely benign based on ACMG/AMP sequence variant interpretation guidelines (Richards et al. 2015 PMID: 25741868, with internal and published modifications).

NM_006420.3(ARFGEF2):c.-24_-1del

Genes: ARFGEF2 (ARF guanine nucleotide exchange factor 2; plus strand), LOC130066080 (ATAC-STARR-seq lymphoblastoid silent region 12991; plus strand). Cytogenetic location: 20q13.13.
Variant type: Deletion.
Coding change: c.-24_-1del on transcript NM_006420.3 (MANE Select); 24 bases upstream of the start codon through 1 bases upstream of the start codon, 24 bases deleted (GTCAGCCCCCGCCGGGCCGGGGCC).
Molecular consequence: 5 prime UTR variant.
Genome position (GRCh38, 1-based): chr20:48,921,866-48,921,889, GTCAGCCCCCGCCGGGCCGGGGCC deleted; deleting any 24 consecutive bases within chr20:48,921,859-48,921,889 gives the same sequence; the c. name uses the placement nearest the transcript's 3' end. VCF-style (leftmost placement, unchanged base first): chr20-48921858-GCGGGGCCGTCAGCCCCCGCCGGGC-G. GRCh37 (hg19) VCF-style: chr20-47538395-GCGGGGCCGTCAGCCCCCGCCGGGC-G.
Other names: c.-24_-1delGTCAGCCCCCGCCGGGCCGGGGCC (NM_006420.2).
Identifiers: ClinVar variation 418016 (VCV000418016.4), dbSNP rs573729300, ClinGen allele CA9898023.